The following is an entry in ClinVar:

ClinVar aggregate classification (germline): Likely pathogenic (1 of 4 stars; one submission).

Submission:

GeneDx
Classification: Likely pathogenic. Last evaluated: 2018-12-20. Review status: criteria provided, single submitter. Criteria: GeneDx Variant Classification (06012015). Collection method: clinical testing. Allele origin: germline. Affected: yes.
Comment: The c.630_633delAAAG likely pathogenic variant in the GAN gene causes a frameshift starting with codon Lysine 211, changes this amino acid to a Serine residue and creates a premature Stop codon at position 3 of the new reading frame, denoted p.Lys211SerfsX3. This likely pathogenic variant is predicted to cause loss of normal protein function either through protein truncation or nonsense-mediated mRNA

NM_022041.4(GAN):c.630_633del (p.Lys211fs)

Gene: GAN (gigaxonin; plus strand). Cytogenetic location: 16q23.2.
Variant type: Deletion.
Coding change: c.630_633del on transcript NM_022041.4 (MANE Select); coding-DNA positions 630 to 633, 4 bases deleted (AAAG; older notation c.630_633delAAAG).
Protein change: p.Lys211fs; shifts the reading frame from lysine 211.
Molecular consequence: frameshift variant. On other transcripts: 5 prime UTR variant (1).
Genome position (GRCh38, 1-based): chr16:81,354,752-81,354,755, AAAG deleted; deleting any 4 consecutive bases within chr16:81,354,749-81,354,755 gives the same sequence; the c. name uses the placement nearest the transcript's 3' end. VCF-style (leftmost placement, unchanged base first): chr16-81354748-TAAGA-T. GRCh37 (hg19) VCF-style: chr16-81388353-TAAGA-T.
Other names: c.-10_-7del (NM_001377486.1); short protein forms K211fs.
Identifiers: ClinVar variation 817947 (VCV000817947.1), dbSNP rs1597401735, ClinGen allele CA915949361.